The following is an entry in ClinVar:

NM_001271.4(CHD2):c.2888_2889insAT (p.Phe963fs)

Genes: CHD2 (chromodomain helicase DNA binding protein 2; plus strand), LOC126862230 (P300/CBP strongly-dependent group 1 enhancer GRCh37_chr15:93523977-93525176; plus strand). Cytogenetic location: 15q26.1.
Variant type: Insertion.
Coding change: c.2888_2889insAT on transcript NM_001271.4 (MANE Select); coding-DNA positions 2888 to 2889, AT inserted.
Protein change: p.Phe963fs; shifts the reading frame from phenylalanine 963.
Molecular consequence: frameshift variant.
Genome position: GRCh38 VCF-style: chr15-92980825-T-TTA. GRCh37 (hg19) VCF-style: chr15-93524055-T-TTA.
Other names: short protein forms F963fs.
Identifiers: ClinVar variation 1068680 (VCV001068680.2), dbSNP rs2141846356, ClinGen allele CA2499223183.
Genomic context (GRCh38, chr15:92,980,825, plus strand): 5'-CACTTTAGAGGTTATTTGATGTTTCTAACAACTACATTTTACTTCCACAGCTCAAATCCT[T>TTA]TTAATAAAGAAGAGCTGACAGCTATTTTGAAATTTGGAGCAGAGGATCTCTTCAAAGAAC-3'

ClinVar aggregate classification (germline): Pathogenic (1 of 4 stars; one submission).

Conditions:
Developmental and epileptic encephalopathy 94 (DEE94). Also called: Epileptic encephalopathy, childhood-onset; CHD2-Related Neurodevelopmental Disorders. Identifiers: Orphanet 1942, Orphanet 2382, MedGen C3809278, MONDO:0014150, OMIM 615369.

Submission:

Labcorp Genetics (formerly Invitae), Labcorp
Classification: Pathogenic for Developmental and epileptic encephalopathy 94. Last evaluated: 2020-04-29. Review status: criteria provided, single submitter. Criteria: Invitae Variant Classification Sherloc (09022015). Collection method: clinical testing. Allele origin: germline.
Comment: This sequence change creates a premature translational stop signal (p.Phe963Leufs*7) in the CHD2 gene. It is expected to result in an absent or disrupted protein product. This variant is not present in population databases (ExAC no frequency). This variant has not been reported in the literature in individuals with CHD2-related conditions. Loss-of-function variants in CHD2 are known to be pathogenic (PMID: 23708187, 24207121). For these reasons, this variant has been classified as Pathogenic.

Literature cited by the submitters: PubMed 23708187; PubMed 24207121.